The following is an entry in ClinVar:

ClinVar aggregate classification (germline): Uncertain significance. Review status: criteria provided, multiple submitters, no conflicts (2 of 4 stars). 3 submissions from 3 submitters: Uncertain significance (3). Last evaluated 2025-09-10.

Conditions:
Hypogonadotropic hypogonadism 2 with or without anosmia (HH2). Also called: HYPOGONADOTROPIC HYPOGONADISM 2 WITHOUT ANOSMIA; FGFR1-Related GnRH Deficiency (Kallmann Syndrome 2); HYPOGONADOTROPIC HYPOGONADISM 2 WITH OR WITHOUT ANOSMIA, SUSCEPTIBILITY TO; HYPOGONADOTROPIC HYPOGONADISM 2 WITHOUT ANOSMIA, SUSCEPTIBILITY TO. Identifiers: Orphanet 478, MedGen C1563720, MONDO:0007844, OMIM 147950. Disease mechanism: loss of function.
Pfeiffer syndrome (ACS5). Also called: ACS V. Identifiers: Orphanet 710, MedGen C0220658, MONDO:0007043, OMIM 101600.

Allele frequency attached by ClinVar (database versions not stated): gnomAD exomes below 0.00001.
gnomAD v4.1: 2 of 1,614,232 alleles (0.00012%); highest among the groups gnomAD compares: Non-Finnish European, 0.000085%; no homozygotes.

Submissions (3):

GeneDx
Classification: Uncertain significance. Last evaluated: 2025-09-10. Review status: criteria provided, single submitter. Criteria: GeneDx Variant Classification Process June 2021. Collection method: clinical testing. Allele origin: germline. Affected: yes.
Comment: Not observed at a significant frequency in large population cohorts (gnomAD); In silico analysis supports that this missense variant has a deleterious effect on protein structure/function; This variant is associated with the following publications: (PMID: 21209029, 37805574, 23533228)

Labcorp Genetics (formerly Invitae), Labcorp
Classification: Uncertain significance for Pfeiffer syndrome; Hypogonadotropic hypogonadism 2 with or without anosmia. Last evaluated: 2025-05-26. Review status: criteria provided, single submitter. Criteria: Invitae Variant Classification Sherloc (09022015). Collection method: clinical testing. Allele origin: germline.
Comment: This sequence change replaces proline, which is neutral and non-polar, with leucine, which is neutral and non-polar, at codon 169 of the FGFR1 protein (p.Pro169Leu). This variant is present in population databases (no rsID available, gnomAD 0.004%). This missense change has been observed in individual(s) with Kallmann syndrome (PMID: 21209029). ClinVar contains an entry for this variant (Variation ID: 1303081). Invitae Evidence Modeling of protein sequence and biophysical properties (such as structural, functional, and spatial information, amino acid conservation, physicochemical variation, residue mobility, and thermodynamic stability) has been performed for this missense variant. However, the output from this modeling did not meet the statistical confidence thresholds required to predict the impact of this variant on FGFR1 protein function. In summary, the available evidence is currently insufficient to determine the role of this variant in disease. Therefore, it has been classified as a Variant of Uncertain Significance.

Reproductive Endocrine Unit, Massachusetts General Hospital
Classification: Uncertain significance for Hypogonadotropic hypogonadism 2 with or without anosmia. Last evaluated: 2023-05-04. Review status: criteria provided, single submitter. Criteria: ACMG Guidelines, 2015. Collection method: research. Allele origin: inherited. Affected: yes. Observed: 1 variant allele.

Literature cited by the submitters: PubMed 21209029 (cited by Labcorp Genetics (formerly Invitae), Labcorp).

NM_023110.3(FGFR1):c.506C>T (p.Pro169Leu)

Gene: FGFR1 (fibroblast growth factor receptor 1; minus strand). Cytogenetic location: 8p11.23.
Variant type: single nucleotide variant.
Coding change: c.506C>T on transcript NM_023110.3 (MANE Select); coding-DNA position 506, C replaced by T.
Protein change: p.Pro169Leu; replaces proline 169 with leucine.
Molecular consequence: missense variant.
Genome position (GRCh38, 1-based): chr8:38,428,036, G>A on the plus strand (C>T on the coding strand, the complement: FGFR1 is on the minus strand). VCF-style: chr8-38428036-G-A. GRCh37 (hg19) VCF-style: chr8-38285554-G-A.
Other names: c.233C>T, p.Pro78Leu (NM_023106.3, NM_001354368.2, NM_001354370.2); c.506C>T, p.Pro169Leu (NM_001174063.2); c.482C>T, p.Pro161Leu (NM_001174064.2); c.500C>T, p.Pro167Leu (NM_001174065.2, NM_001354367.2, NM_001354369.2 and 1 more transcripts); c.239C>T, p.Pro80Leu (NM_001174066.2, NM_023105.3); c.599C>T, p.Pro200Leu (NM_001174067.2); short protein forms P161L, P167L, P169L, P200L, P78L, P80L.
Identifiers: ClinVar variation 1303081 (VCV001303081.11), dbSNP rs1413642890, ClinGen allele CA370735755.